The following is an entry in ClinVar:

ClinVar aggregate classification (germline): Conflicting classifications of pathogenicity. Review status: criteria provided, conflicting classifications (1 of 4 stars). 5 submissions from 5 submitters: Uncertain significance (1); Benign (1); Likely benign (2). 1 of the submissions does not count toward it. Last evaluated 2025-12-15.

Conditions:
ABCA4-related disorder. Also called: ABCA4-related condition; ABCA4-related disorders. Identifiers: MedGen CN239167.

Allele frequency attached by ClinVar (database versions not stated): gnomAD 0.00001 and 0.00006; TOPMed 0.00006; ESP Exome Variant Server 0.00015; gnomAD exomes 0.00022 and 0.00050; ExAC 0.00056.
gnomAD v4.1: 333 of 1,607,148 alleles (0.021%); highest among the groups gnomAD compares: South Asian, 0.33%; 7 homozygotes.

Submissions (5):

Labcorp Genetics (formerly Invitae), Labcorp
Classification: Benign. Last evaluated: 2025-12-15. Review status: criteria provided, single submitter. Criteria: Invitae Variant Classification Sherloc (09022015). Collection method: clinical testing. Allele origin: germline.

Blueprint Genetics
Classification: Likely benign. Last evaluated: 2024-11-19. Review status: criteria provided, single submitter. Criteria: ACMG Guidelines, 2015. Collection method: clinical testing. Allele origin: germline.

GeneDx
Classification: Likely benign. Last evaluated: 2020-12-29. Review status: criteria provided, single submitter. Criteria: GeneDx Variant Classification Process June 2021. Collection method: clinical testing. Allele origin: germline. Affected: yes.

Eurofins Ntd Llc (ga)
Classification: Uncertain significance. Last evaluated: 2016-10-13. Review status: criteria provided, single submitter. Criteria: EGL Classification Definitions 2015. Collection method: clinical testing. Allele origin: germline. Observed: 1 variant allele, 1 heterozygote.

PreventionGenetics, part of Exact Sciences
Classification: Likely benign for ABCA4-related condition. Last evaluated: 2019-07-22. Review status: no assertion criteria provided. Collection method: clinical testing. Allele origin: germline. Not counted in ClinVar's aggregate classification.
Comment: This variant is classified as likely benign based on ACMG/AMP sequence variant interpretation guidelines (Richards et al. 2015 PMID: 25741868, with internal and published modifications).

NM_000350.3(ABCA4):c.769-3C>T

Gene: ABCA4 (ATP binding cassette subfamily A member 4; minus strand). Cytogenetic location: 1p22.1.
Variant type: single nucleotide variant.
Coding change: c.769-3C>T on transcript NM_000350.3 (MANE Select); 3 bases into the intron before coding-DNA position 769, C replaced by T.
Molecular consequence: intron variant.
Genome position (GRCh38, 1-based): chr1:94,083,444, G>A on the plus strand (C>T on the coding strand, the complement: ABCA4 is on the minus strand). VCF-style: chr1-94083444-G-A. GRCh37 (hg19) VCF-style: chr1-94549000-G-A.
Identifiers: ClinVar variation 497258 (VCV000497258.22), dbSNP rs368010652, ClinGen allele CA958730.